The following is an entry in ClinVar:

NM_000709.4(BCKDHA):c.1279C>G (p.Leu427Val)

Gene: BCKDHA (branched chain keto acid dehydrogenase E1 subunit alpha; plus strand). Cytogenetic location: 19q13.2.
Variant type: single nucleotide variant.
Coding change: c.1279C>G on transcript NM_000709.4 (MANE Select); coding-DNA position 1279, C replaced by G.
Protein change: p.Leu427Val; replaces leucine 427 with valine.
Molecular consequence: missense variant.
Genome position (GRCh38, 1-based): chr19:41,424,549, C>G. VCF-style: chr19-41424549-C-G. GRCh37 (hg19) VCF-style: chr19-41930454-C-G.
Other names: c.1276C>G, p.Leu426Val (NM_001164783.2); short protein forms L426V, L427V.
Identifiers: ClinVar variation 4814466 (VCV004814466.1).
Genomic context (GRCh38, chr19:41,424,549, plus strand): 5'-CTACTCTTCTCAGACGTGTATCAGGAGATGCCCGCCCAGCTCCGCAAGCAGCAGGAGTCT[C>G]TGGCCCGCCACCTGCAGACCTACGGGGAGCACTACCCACTGGATCACTTCGATAAGTGAG-3'
Protein context (NP_000700.1, residues 417-437): PAQLRKQQES[Leu427Val]ARHLQTYGEH

ClinVar aggregate classification (germline): Likely pathogenic (1 of 4 stars; one submission).

Conditions:
Maple syrup urine disease type 1A (MSUD1A). Also called: MSUD type 1A. Identifiers: MedGen C1855369, MONDO:0023691, OMIM 248600.

Submission:

Natera, Inc.
Classification: Likely pathogenic for Maple syrup urine disease type 1A. Last evaluated: 2025-10-06. Review status: criteria provided, single submitter. Criteria: Natera Variant Classification Schema (03/2026). Collection method: clinical testing. Allele origin: germline.
Comment: The c.1279C>G variant in BCKDHA is a missense variant predicted to cause substitution of leucine to valine at amino acid 427. This variant is rare in the general population with a frequency below the threshold expected for the associated phenotype(s). This variant has been observed in one or more individuals affected with the associated recessive disease, as either homozygous or compound heterozygous with a second variant (PMID: 37421976, 22727569, 38837343, 34883003). Computational prediction algorithms indicate this variant is likely to affect gene or protein function. Given the available evidence, this variant is classified as Likely Pathogenic.

Literature cited by the submitters: PubMed 37421976; PubMed 22727569; PubMed 38837343; PubMed 34883003.